The following is an entry in ClinVar:

ClinVar aggregate classification (germline): Pathogenic. Review status: reviewed by expert panel (3 of 4 stars). 7 submissions from 7 submitters: Pathogenic (1). 6 of the submissions do not count toward it. Last evaluated 2016-10-18.

Conditions:
Hereditary cancer-predisposing syndrome. Also called: Neoplastic Syndromes, Hereditary; Hereditary Cancer Syndrome; Tumor predisposition; Hereditary neoplastic syndrome. Identifiers: Orphanet 140162, MedGen C0027672, MeSH D009386, MONDO:0015356.
Hereditary breast ovarian cancer syndrome. Also called: BRCA1- and BRCA2-Associated Hereditary Breast and Ovarian Cancer; Hereditary breast and ovarian cancer syndrome; Hereditary breast and ovarian cancer syndrome (HBOC); Hereditary breast and/or ovarian cancer syndrome; Hereditary breast and ovarian cancer; Breast and ovarian cancer. Identifiers: Orphanet 145, MedGen C0677776, MeSH D061325, MONDO:0003582. Disease mechanism: loss of function.
Breast-ovarian cancer, familial, susceptibility to, 2 (BROVCA2). Also called: BRCA2 Hereditary Breast and Ovarian Cancer. Identifiers: Orphanet 145, MedGen C2675520, MONDO:0012933, OMIM 612555. Disease mechanism: loss of function.

Submissions (7):

Evidence-based Network for the Interpretation of Germline Mutant Alleles (ENIGMA)
Classification: Pathogenic for Breast-ovarian cancer, familial, susceptibility to, 2. Last evaluated: 2016-10-18. Review status: reviewed by expert panel. Criteria: ENIGMA BRCA1/2 Classification Criteria (2015). Collection method: curation. Allele origin: germline.
Comment: Variant allele predicted to encode a truncated non-functional protein.

Dasa
Classification: Pathogenic for Breast-ovarian cancer, familial, susceptibility to, 2. Last evaluated: 2026-01-19. Review status: criteria provided, single submitter. Criteria: DASA Assertion Criteria. Collection method: clinical testing. Allele origin: germline. Not counted in ClinVar's aggregate classification.
Comment: NM_000059.4(BRCA2):c.9498del (p.Glu3167Argfs*50) introduces a premature termination codon predicted to result in loss of normal protein function. Loss-of-function is an established mechanism of disease for this gene. The affected residue or protein region has prior evidence supporting clinical relevance. The variant is present at low frequency in population datasets. Based on the available data, this variant is classified as pathogenic.

Color Diagnostics, LLC DBA Color Health
Classification: Pathogenic for Hereditary cancer-predisposing syndrome. Last evaluated: 2024-06-14. Review status: criteria provided, single submitter. Criteria: ACMG Guidelines, 2015. Collection method: clinical testing. Allele origin: germline. Not counted in ClinVar's aggregate classification.
Comment: This variant deletes 1 nucleotide in exon 25 of the BRCA2 gene, creating a frameshift and premature translation stop signal. This variant is expected to result in a defective protein product. While this variant is not predicted to trigger nonsense-mediated decay, it causes the partial loss of the RAD51 binding domain (PMID: 9126738, 9192668) and the nuclear localization signals (PMID: 10570174). Other truncations C-terminal to this variant protein at Tyr3308 and Glu3309 have been shown to impact BRCA2 activity in Brca2-deficient mouse embryonic stem cells (PMID: 18607349). This variant has been reported in suspected hereditary breast and ovarian cancer families (PMID: 22762150, 31209999). This variant has not been identified in the general population by the Genome Aggregation Database (gnomAD). Loss of BRCA2 function is a known mechanism of disease. Based on the available evidence, this variant is classified as Pathogenic.

Labcorp Genetics (formerly Invitae), Labcorp
Classification: Pathogenic for Hereditary breast ovarian cancer syndrome. Last evaluated: 2023-10-13. Review status: criteria provided, single submitter. Criteria: Invitae Variant Classification Sherloc (09022015). Collection method: clinical testing. Allele origin: germline. Not counted in ClinVar's aggregate classification.
Comment: This sequence change creates a premature translational stop signal (p.Glu3167Argfs*50) in the BRCA2 gene. While this is not anticipated to result in nonsense mediated decay, it is expected to disrupt the last 252 amino acid(s) of the BRCA2 protein. This variant is not present in population databases (gnomAD no frequency). This premature translational stop signal has been observed in individual(s) with clinical features of BRCA2-related conditions (PMID: 22762150, 28947987). ClinVar contains an entry for this variant (Variation ID: 52849). This variant disrupts a region of the BRCA2 protein in which other variant(s) (p.Tyr3308*) have been determined to be pathogenic (PMID: 17026620, 18593900, 18607349, 22711857). This suggests that this is a clinically significant region of the protein, and that variants that disrupt it are likely to be disease-causing. For these reasons, this variant has been classified as Pathogenic.

Revvity Omics, Revvity
Classification: Likely pathogenic. Last evaluated: 2021-12-16. Review status: criteria provided, single submitter. Criteria: ACMG Guidelines, 2015. Collection method: clinical testing. Allele origin: germline. Not counted in ClinVar's aggregate classification.

Women's Health and Genetics/Laboratory Corporation of America, LabCorp
Classification: Pathogenic for Hereditary breast ovarian cancer syndrome. Last evaluated: 2017-08-16. Review status: criteria provided, single submitter. Criteria: LabCorp Variant Classification Summary - May 2015. Collection method: clinical testing. Allele origin: germline. Not counted in ClinVar's aggregate classification.
Comment: Variant summary: The BRCA2 c.9498delT (p.Glu3167Argfs) variant results in a deletion of 1 nucleotide from exon 25 of the BRCA2 mRNA, causing a frameshift that creates a premature stop codon. This is predicted to cause a truncated or absent (due to nonsense mediated decay) BRCA2 protein, which is a commonly known mechanism for disease. Truncations downstream of this position have been classified as pathogenic by our laboratory (e.g. c.9672dupA (p.Tyr3225fs), c.9770_9773delAAGA (p.Lys3257fs), c.9924C>G (p.Tyr3308X), etc.). This variant is absent in 121186 control chromosomes. The variant has been reported in at least one family with HBOC with limited segregation data (Lecarpentier 2012). Lastly, multiple reputable databases/clinical laboratories classified the variant as "Pathogenic". Taken together, this variant is classified as Pathogenic.

Consortium of Investigators of Modifiers of BRCA1/2 (CIMBA), c/o University of Cambridge
Classification: Pathogenic for Breast-ovarian cancer, familial, susceptibility to, 2. Last evaluated: 2015-10-02. Review status: criteria provided, single submitter. Criteria: CIMBA Mutation Classification guidelines May 2016. Collection method: clinical testing. Allele origin: germline. Not counted in ClinVar's aggregate classification.

Literature cited by the submitters: PubMed 9126738 (cited by Color Diagnostics, LLC DBA Color Health); PubMed 9192668 (cited by Color Diagnostics, LLC DBA Color Health); PubMed 10570174 (cited by Color Diagnostics, LLC DBA Color Health); PubMed 18607349 (cited by Color Diagnostics, LLC DBA Color Health and Labcorp Genetics (formerly Invitae), Labcorp); PubMed 22762150 (cited by 3 submitters); PubMed 31209999 (cited by Color Diagnostics, LLC DBA Color Health); PubMed 28947987 (cited by Labcorp Genetics (formerly Invitae), Labcorp); PubMed 17026620 (cited by Labcorp Genetics (formerly Invitae), Labcorp); PubMed 18593900 (cited by Labcorp Genetics (formerly Invitae), Labcorp); PubMed 22711857 (cited by Labcorp Genetics (formerly Invitae), Labcorp).

NM_000059.4(BRCA2):c.9498del (p.Glu3167fs)

Gene: BRCA2 (BRCA2 DNA repair associated; plus strand). Cytogenetic location: 13q13.1.
Variant type: Deletion.
Coding change: c.9498del on transcript NM_000059.4 (MANE Select); coding-DNA position 9498, one base deleted (T; older notation c.9498delT).
Protein change: p.Glu3167fs; shifts the reading frame from glutamic acid 3167.
Molecular consequence: frameshift variant.
Genome position (GRCh38, 1-based): chr13:32,394,930, T deleted; the last of 2 consecutive T bases (chr13:32,394,929-32,394,930); deleting either gives the same sequence. VCF-style (leftmost placement, unchanged base first): chr13-32394928-GT-G. GRCh37 (hg19) VCF-style: chr13-32969065-GT-G.
Other names: 9726delT; c.9498delT (NM_000059.3).
Identifiers: ClinVar variation 52849 (VCV000052849.21), dbSNP rs397508055, ClinGen allele CA026179.